The following is an entry in ClinVar:

ClinVar aggregate classification (germline): Conflicting classifications of pathogenicity. Review status: criteria provided, conflicting classifications (1 of 4 stars). 5 submissions from 5 submitters: Uncertain significance (2); Likely benign (2). 1 of the submissions does not count toward it. Last evaluated 2025-05-07.

Conditions:
ELOVL4-related disorder. Also called: ELOVL4-related disorders; ELOVL4-related condition.
Stargardt disease 3. Also called: MACULAR DYSTROPHY WITH FLECKS, TYPE 3; STARGARDT-LIKE MACULAR DYSTROPHY, AUTOSOMAL DOMINANT. Identifiers: Orphanet 827, MedGen C1838644, MONDO:0010819, OMIM 600110.

Allele frequency attached by ClinVar (database versions not stated): gnomAD exomes below 0.00001 and 0.00001; gnomAD 0.00001 and 0.00002; ExAC 0.00002; TOPMed 0.00002; 1000 Genomes Project 0.00020; 1000 Genomes Project 30x 0.00031.

Submissions (5):

Labcorp Genetics (formerly Invitae), Labcorp
Classification: Likely benign. Last evaluated: 2025-05-07. Review status: criteria provided, single submitter. Criteria: Invitae Variant Classification Sherloc (09022015). Collection method: clinical testing. Allele origin: germline.

Blueprint Genetics
Classification: Likely benign. Last evaluated: 2024-03-26. Review status: criteria provided, single submitter. Criteria: ACMG Guidelines, 2015. Collection method: clinical testing. Allele origin: germline.

Eurofins Ntd Llc (ga)
Classification: Uncertain significance. Last evaluated: 2018-08-09. Review status: criteria provided, single submitter. Criteria: EGL ClinVar v180209 classification definitions. Collection method: clinical testing. Allele origin: germline. Observed: 1 variant allele, 1 heterozygote.

Illumina Laboratory Services, Illumina
Classification: Uncertain significance for Stargardt disease 3. Last evaluated: 2018-01-12. Review status: criteria provided, single submitter. Criteria: ICSL Variant Classification Criteria 13 December 2019. Collection method: clinical testing. Allele origin: germline.

PreventionGenetics, part of Exact Sciences
Classification: Likely benign for ELOVL4-related condition. Last evaluated: 2024-09-16. Review status: no assertion criteria provided. Collection method: clinical testing. Allele origin: germline. Not counted in ClinVar's aggregate classification.
Comment: This variant is classified as likely benign based on ACMG/AMP sequence variant interpretation guidelines (Richards et al. 2015 PMID: 25741868, with internal and published modifications).

NM_022726.4(ELOVL4):c.192A>C (p.Pro64=)

Gene: ELOVL4 (ELOVL fatty acid elongase 4; minus strand). Cytogenetic location: 6q14.1.
Variant type: single nucleotide variant.
Coding change: c.192A>C on transcript NM_022726.4 (MANE Select); coding-DNA position 192, A replaced by C.
Protein change: p.Pro64=; no amino-acid change (proline 64 retained).
Molecular consequence: synonymous variant.
Genome position (GRCh38, 1-based): chr6:79,926,290, T>G on the plus strand (A>C on the coding strand, the complement: ELOVL4 is on the minus strand). VCF-style: chr6-79926290-T-G. GRCh37 (hg19) VCF-style: chr6-80636007-T-G.
Identifiers: ClinVar variation 598145 (VCV000598145.20), dbSNP rs201014417, ClinGen allele CA3901598.